The following is an entry in ClinVar:

NM_001110556.2(FLNA):c.5283C>T (p.Tyr1761=)

Gene: FLNA (filamin A; minus strand). Cytogenetic location: Xq28.
Variant type: single nucleotide variant.
Coding change: c.5283C>T on transcript NM_001110556.2 (MANE Select); coding-DNA position 5283, C replaced by T.
Protein change: p.Tyr1761=; no amino-acid change (tyrosine 1761 retained).
Molecular consequence: synonymous variant.
Genome position (GRCh38, 1-based): chrX:154,354,646, G>A on the plus strand (C>T on the coding strand, the complement: FLNA is on the minus strand). VCF-style: chrX-154354646-G-A. GRCh37 (hg19) VCF-style: chrX-153583014-G-A.
Other names: c.5259C>T, p.Tyr1753= (NM_001456.4); c.5283C>T (NM_001110556.1).
Identifiers: ClinVar variation 699931 (VCV000699931.12), dbSNP rs782313331, ClinGen allele CA10560345.

ClinVar aggregate classification (germline): Likely benign. Review status: criteria provided, multiple submitters, no conflicts (2 of 4 stars). 3 submissions from 3 submitters: Likely benign (2). 1 of the submissions does not count toward it. Last evaluated 2025-06-10.

Conditions:
Heterotopia, periventricular, X-linked dominant (PVNH1). Also called: PERIVENTRICULAR NODULAR HETEROTOPIA 4; HETEROTOPIA, PERIVENTRICULAR, 1; PERIVENTRICULAR NODULAR HETEROTOPIA 1; X-linked periventricular heterotopia. Identifiers: Orphanet 2149, Orphanet 82004, MedGen C1848213, MONDO:0010233, OMIM 300049.
Oto-palato-digital syndrome, type II (OPD2). Also called: Otopalatodigital Syndrome, Type II; OPD II SYNDROME; Otopalatodigital Syndrome Type 2 (FLNA-OPD2); FACIOPALATOOSSEOUS SYNDROME. Identifiers: Orphanet 669, Orphanet 90652, MedGen C1844696, MONDO:0010571, OMIM 304120.
Melnick-Needles syndrome (MNS). Also called: MELNICK-NEEDLES OSTEODYSPLASTY; OSTEODYSPLASTY OF MELNICK AND NEEDLES; Melnick-Needles Syndrome (FLNA-MNS). Identifiers: Orphanet 2484, MedGen C0025237, MONDO:0010650, OMIM 309350.
Frontometaphyseal dysplasia (FMD1). Identifiers: Orphanet 1826, MedGen C0265293, MONDO:0015942.
FLNA-related disorder.
Oto-palato-digital syndrome, type I (OPD1). Also called: Otopalatodigital Syndrome, Type I; OPD I SYNDROME; OPD SYNDROME 1; Taybi syndrome; Otopalatodigital Syndrome Type 1 (FLNA-OPD1). Identifiers: Orphanet 669, Orphanet 90650, MedGen C0265251, MONDO:0010704, OMIM 311300.
Cardiac valvular dysplasia, X-linked (CVDPX). Also called: Isolated X-Linked Cardiac Valvular Dysplasia; FLNA-Related X-linked Cardiac Valvular Dysplasia; Congenital valvular dysplasia; MYXOMATOUS VALVULAR DYSTROPHY, X-LINKED; VALVULAR HEART DISEASE, CONGENITAL. Identifiers: Orphanet 1864, Orphanet 555877, Orphanet 75497, MedGen C0262436, MONDO:0010753, OMIM 314400.
Intestinal pseudoobstruction, neuronal, chronic idiopathic, X-linked (CIIPX). Also called: FLNA-Related Periventricular Nodular Heterotopia (FLNA-Related PVNH; Huttenlocher Syndrome); INTESTINAL PSEUDOOBSTRUCTION, NEURONAL, CHRONIC IDIOPATHIC, WITH CENTRAL NERVOUS SYSTEM INVOLVEMENT; CONGENITAL IDIOPATHIC INTESTINAL PSEUDOOBSTRUCTION. Identifiers: Orphanet 2301, MedGen C2746068, MONDO:0010232, OMIM 300048.
Frontometaphyseal dysplasia 1 (FMD1). Also called: Frontometaphyseal Dysplasia (FLNA-FMD). Identifiers: Orphanet 1826, MedGen C4281559, MONDO:0024550, OMIM 305620.
Terminal osseous dysplasia-pigmentary defects syndrome. Also called: Terminal Osseous Dysplasia (FLNA-TOD); ODPF SYNDROME; OSSEOUS DYSPLASIA, DIGITAL, WITH FACIAL PIGMENTARY DEFECTS AND MULTIPLE FRENULA; ODPD; TERMINAL OSSEOUS DYSPLASIA AND PIGMENTARY DEFECTS. Identifiers: Orphanet 88630, MedGen C1846129, MONDO:0010279, OMIM 300244.
FG syndrome 2 (FGS2). Identifiers: MedGen C1845902, MONDO:0010297, OMIM 300321.

Allele frequency attached by ClinVar (database versions not stated): TOPMed below 0.00001; gnomAD exomes 0.00001; ExAC 0.00002; gnomAD 0.00002.
gnomAD v4.1: 9 of 1,205,265 alleles (0.00075%); highest among the groups gnomAD compares: South Asian, 0.0018%; no homozygotes.

Submissions (3):

Labcorp Genetics (formerly Invitae), Labcorp
Classification: Likely benign for Oto-palato-digital syndrome, type II; Heterotopia, periventricular, X-linked dominant; Frontometaphyseal dysplasia; Melnick-Needles syndrome. Last evaluated: 2025-06-10. Review status: criteria provided, single submitter. Criteria: Invitae Variant Classification Sherloc (09022015). Collection method: clinical testing. Allele origin: germline.

Fulgent Genetics
Classification: Likely benign for Intestinal pseudoobstruction, neuronal, chronic idiopathic, X-linked; Heterotopia, periventricular, X-linked dominant; Terminal osseous dysplasia-pigmentary defects syndrome; FG syndrome 2; Oto-palato-digital syndrome, type II; Frontometaphyseal dysplasia 1; Melnick-Needles syndrome; Oto-palato-digital syndrome, type I; Cardiac valvular dysplasia, X-linked. Last evaluated: 2022-04-12. Review status: criteria provided, single submitter. Criteria: ACMG Guidelines, 2015. Collection method: clinical testing. Allele origin: unknown.

PreventionGenetics, part of Exact Sciences
Classification: Likely benign for FLNA-related condition. Last evaluated: 2020-08-03. Review status: no assertion criteria provided. Collection method: clinical testing. Allele origin: germline. Not counted in ClinVar's aggregate classification.
Comment: This variant is classified as likely benign based on ACMG/AMP sequence variant interpretation guidelines (Richards et al. 2015 PMID: 25741868, with internal and published modifications).